The following is an entry in ClinVar:

NM_004208.4(AIFM1):c.184G>A (p.Gly62Ser)

Genes: AIFM1 (apoptosis inducing factor mitochondria associated 1; minus strand), RAB33A (RAB33A, member RAS oncogene family; plus strand). Cytogenetic location: Xq26.1.
Variant type: single nucleotide variant.
Coding change: c.184G>A on transcript NM_004208.4 (MANE Select); coding-DNA position 184, G replaced by A.
Protein change: p.Gly62Ser; replaces glycine 62 with serine.
Molecular consequence: missense variant. On other transcripts: intron variant (1).
Genome position (GRCh38, 1-based): chrX:130,156,526, C>T on the plus strand (G>A on the coding strand, the complement: AIFM1 is on the minus strand). VCF-style: chrX-130156526-C-T. GRCh37 (hg19) VCF-style: chrX-129290500-C-T.
Other names: c.184G>A, p.Gly62Ser (NM_001130847.4); c.107-1240G>A (NM_145812.3); short protein forms G62S.
Identifiers: ClinVar variation 2661433 (VCV002661433.24), dbSNP rs751941034, ClinGen allele CA414593817.

ClinVar aggregate classification (germline): Uncertain significance (1 of 4 stars; one submission).

Submission:

CeGaT Center for Human Genetics Tuebingen
Classification: Uncertain significance. Last evaluated: 2022-04-01. Review status: criteria provided, single submitter. Criteria: CeGaT Center For Human Genetics Tuebingen Variant Classification Criteria Version 2. Collection method: clinical testing. Allele origin: germline. Affected: yes. Observed: 1 variant allele.
Comment: AIFM1: PM2, BP4